The following is an entry in ClinVar:

NM_198173.3(GRHL3):c.1172G>A (p.Arg391His)

Gene: GRHL3 (grainyhead like transcription factor 3; plus strand). Cytogenetic location: 1p36.11.
Variant type: single nucleotide variant.
Coding change: c.1172G>A on transcript NM_198173.3 (MANE Select); coding-DNA position 1172, G replaced by A.
Protein change: p.Arg391His; replaces arginine 391 with histidine.
Molecular consequence: missense variant.
Genome position (GRCh38, 1-based): chr1:24,342,239, G>A. VCF-style: chr1-24342239-G-A. GRCh37 (hg19) VCF-style: chr1-24668729-G-A.
Other names: c.1034G>A, p.Arg345His (NM_001195010.2); c.1187G>A, p.Arg396His (NM_021180.4); c.1172G>A, p.Arg391His (NM_198174.3); c.1172G>A (NM_198173.2); short protein forms R345H, R391H, R396H.
Identifiers: ClinVar variation 1172586 (VCV001172586.4), dbSNP rs1315515436, ClinGen allele CA339047470.
Genomic context (GRCh38, chr1:24,342,239, plus strand): 5'-CCCTGAACCTGCAGATTGACACCTATGACTGTGGCTTGGGCACTGAGCGCCTGGTACACC[G>A]TGCTGTCTGCCAGATCAAGATCTTCTGTGACAAGGTGGCTGGACTGGGCAGACCCTATAC-3'
Protein context (NP_937816.1, residues 381-401): CGLGTERLVH[Arg391His]AVCQIKIFCD

ClinVar aggregate classification (germline): Uncertain significance. Review status: criteria provided, single submitter (1 of 4 stars). 2 submissions from 2 submitters: Uncertain significance (1). 1 of the submissions does not count toward it. Last evaluated 2026-01-20.

Conditions:
Isolated cleft palate. Also called: nonsyndromic cleft palate. Identifiers: Orphanet 2014, MedGen C1837218, MONDO:0007336, OMIM 119540.
GRHL3-related disorder. Also called: GRHL3-related condition.

Allele frequency attached by ClinVar (database versions not stated): gnomAD exomes below 0.00001.
gnomAD v4.1: 6 of 1,611,962 alleles (0.00037%); highest among the groups gnomAD compares: East Asian, 0.0022%; no homozygotes.

Submissions (2):

PreventionGenetics, part of Exact Sciences
Classification: Uncertain significance for GRHL3-related condition. Last evaluated: 2026-01-20. Review status: criteria provided, single submitter. Criteria: ACMG Guidelines, 2015. Collection method: clinical testing. Allele origin: germline.
Comment: The GRHL3 c.1172G>A variant is predicted to result in the amino acid substitution p.Arg391His. This variant was reported in an individual with cleft palate, non-syndromic (Huang et al. 2022. PubMed ID: 35189007). Functional studies showed that the p.Arg391His variant has a dominant-negative nature, affects the nuclear localization pattern and DNA-binding activity of GRHL3, and leads to developmental defects (Huang et al. 2022. PubMed ID: 35189007). An alternate missense change at the same amino acid position (p.Arg391Cys) has been reported in an individual with Van der Woude syndrome (Peyrard-Janvid et al. 2014. PubMed ID: 24360809), and two families with non-syndromic cleft lip and/or palate (Family 4a and 4b in Basha et al. 2018. PubMed ID: 29500247). This variant is reported in 0.00089% of alleles in individuals of European (Non-Finnish) descent in gnomAD. Although we suspect that this variant may be pathogenic, at this time, the clinical significance of this variant is uncertain due to the absence of conclusive functional and genetic evidence.

Orthodontics Department, Peking University School and Hospital of Stomatology
Classification: Pathogenic for Isolated cleft palate. Last evaluated: 2021-03-01. Review status: no assertion criteria provided. Collection method: research. Allele origin: de novo. Affected: yes. Not counted in ClinVar's aggregate classification.